The following is an entry in ClinVar:

ClinVar aggregate classification (germline): Pathogenic/Likely pathogenic. Review status: criteria provided, multiple submitters, no conflicts (2 of 4 stars). 4 submissions from 4 submitters: Pathogenic (2); Likely pathogenic (1). 1 of the submissions does not count toward it. Last evaluated 2023-06-19.

Conditions:
Achondrogenesis, type IB (ACG1B). Also called: Achondrogenesis Type 1B. Identifiers: Orphanet 932, Orphanet 93298, MedGen C0265274, MONDO:0010966, OMIM 600972.
Multiple epiphyseal dysplasia type 4 (EDM4). Also called: MULTIPLE EPIPHYSEAL DYSPLASIA, AUTOSOMAL RECESSIVE; MULTIPLE EPIPHYSEAL DYSPLASIA WITH BILAYERED PATELLAE; MULTIPLE EPIPHYSEAL DYSPLASIA WITH CLUBFOOT; Multiple Epiphyseal Dysplasia, Recessive; SLC26A2-Related Multiple Epiphyseal Dysplasia. Identifiers: Orphanet 93307, MedGen C1847593, MONDO:0009189, OMIM 226900.
Atelosteogenesis type II (AO2). Also called: NEONATAL OSSEOUS DYSPLASIA I; SLC26A2-Related Atelosteogenesis; Neonatal osseous dysplasia 1. Identifiers: Orphanet 56304, MedGen C1850554, MONDO:0009727, OMIM 256050.
Diastrophic dysplasia (DTD). Also called: Diastrophic dwarfism. Identifiers: Orphanet 628, MedGen C0220726, MONDO:0009107, OMIM 222600.

Submissions (4):

Baylor Genetics
Classification: Likely pathogenic for Achondrogenesis, type IB. Last evaluated: 2023-06-19. Review status: criteria provided, single submitter. Criteria: ACMG Guidelines, 2015. Collection method: clinical testing. Allele origin: unknown.

Labcorp Genetics (formerly Invitae), Labcorp
Classification: Pathogenic for Atelosteogenesis type II; Multiple epiphyseal dysplasia type 4; Achondrogenesis, type IB; Diastrophic dysplasia. Last evaluated: 2021-02-08. Review status: criteria provided, single submitter. Criteria: Invitae Variant Classification Sherloc (09022015). Collection method: clinical testing. Allele origin: germline.
Comment: For these reasons, this variant has been classified as Pathogenic. Experimental studies have shown that this variant affects SLC26A2 protein function (PMID: 20219950, 23369989). Advanced modeling of protein sequence and biophysical properties (such as structural, functional, and spatial information, amino acid conservation, physicochemical variation, residue mobility, and thermodynamic stability) performed at Invitae indicates that this missense variant is expected to disrupt SLC26A2 protein function. This variant has been observed in individual(s) with clinical features of diastrophic dysplasia or multiple epiphyseal dysplasia (PMID: 11241838, Invitae). In at least one individual the data is consistent with the variant being in trans (on the opposite chromosome) from a pathogenic variant. This variant is also known as 1184C>T in the literature. ClinVar contains an entry for this variant (Variation ID: 56012). This variant is not present in population databases (ExAC no frequency). This sequence change replaces alanine with valine at codon 386 of the SLC26A2 protein (p.Ala386Val). The alanine residue is highly conserved and there is a small physicochemical difference between alanine and valine.

Medical Molecular Genetics Department, National Research Center
Classification: Pathogenic for Diastrophic dysplasia. Review status: criteria provided, single submitter. Criteria: ACMG Guidelines, 2015. Collection method: research. Allele origin: germline. Inheritance: Autosomal recessive inheritance. Affected: yes. Observed: 1 homozygote.
Comment: The p.Ala386Val variant was not detected in population databases. Experimental studies confirmed its pathogenic effect on the protein. It reduced the transportation of sulfates and oxalates, and also reduced the surface abundance of the protein. This variant is classified as pathogenic (PP3, PP5, PM5, PM2, PP2) according to ACMG guidelines.

Juha Muilu Group; Institute for Molecular Medicine Finland (FIMM)
Classification: Likely pathogenic for Diastrophic dysplasia. Review status: no assertion criteria provided. Collection method: not provided. Allele origin: unknown. Not counted in ClinVar's aggregate classification.
Comment: FinDis database variant: This variant was not found or characterized by our laboratory, data were collected from public sources: see reference
ClinVar note: Converted during submission from probable-pathogenic to Likely pathogenic.

Literature cited by the submitters: PubMed 20219950 (cited by Labcorp Genetics (formerly Invitae), Labcorp and Medical Molecular Genetics Department, National Research Center); PubMed 23369989 (cited by Labcorp Genetics (formerly Invitae), Labcorp); PubMed 11241838 (cited by Labcorp Genetics (formerly Invitae), Labcorp); PubMed 15703192 (cited by Medical Molecular Genetics Department, National Research Center).

NM_000112.4(SLC26A2):c.1157C>T (p.Ala386Val)

Gene: SLC26A2 (solute carrier family 26 member 2; plus strand). Cytogenetic location: 5q32.
Variant type: single nucleotide variant.
Coding change: c.1157C>T on transcript NM_000112.4 (MANE Select); coding-DNA position 1157, C replaced by T.
Protein change: p.Ala386Val; replaces alanine 386 with valine.
Molecular consequence: missense variant.
Genome position (GRCh38, 1-based): chr5:149,980,750, C>T. VCF-style: chr5-149980750-C-T. GRCh37 (hg19) VCF-style: chr5-149360313-C-T.
Other names: short protein forms A386V.
Identifiers: ClinVar variation 56012 (VCV000056012.11), dbSNP rs386833493, ClinGen allele CA263247.